The following is an entry in ClinVar:

ClinVar aggregate classification (germline): Uncertain significance (1 of 4 stars; one submission).

Conditions:
Cardiovascular phenotype. Identifiers: MedGen CN230736.
Hereditary cancer-predisposing syndrome. Also called: Tumor predisposition; Neoplastic Syndromes, Hereditary; Hereditary Cancer Syndrome; Hereditary neoplastic syndrome. Identifiers: Orphanet 140162, MedGen C0027672, MeSH D009386, MONDO:0015356.

Submission:

Ambry Genetics
Classification: Uncertain significance for Cardiovascular phenotype; Hereditary cancer-predisposing syndrome. Last evaluated: 2025-03-12. Review status: criteria provided, single submitter. Criteria: Ambry Variant Classification Scheme 2023. Collection method: clinical testing. Allele origin: germline.
Comment: The p.E331G variant (also known as c.992A>G), located in coding exon 9 of the LZTR1 gene, results from an A to G substitution at nucleotide position 992. The glutamic acid at codon 331 is replaced by glycine, an amino acid with similar properties. This amino acid position is conserved. In addition, the in silico prediction for this alteration is inconclusive. Based on the available evidence, the clinical significance of this variant remains unclear.

NM_006767.4(LZTR1):c.992A>G (p.Glu331Gly)

Gene: LZTR1 (leucine zipper like post translational regulator 1; plus strand). Cytogenetic location: 22q11.21.
Variant type: single nucleotide variant.
Coding change: c.992A>G on transcript NM_006767.4 (MANE Select); coding-DNA position 992, A replaced by G.
Protein change: p.Glu331Gly; replaces glutamic acid 331 with glycine.
Molecular consequence: missense variant.
Genome position (GRCh38, 1-based): chr22:20,991,828, A>G. VCF-style: chr22-20991828-A-G. GRCh37 (hg19) VCF-style: chr22-21346117-A-G.
Other names: short protein forms E331G.
Identifiers: ClinVar variation 3869352 (VCV003869352.1).